The following is an entry in ClinVar:

NM_201384.3(PLEC):c.2874C>T (p.Tyr958=)

Gene: PLEC (plectin; minus strand). Cytogenetic location: 8q24.3.
Variant type: single nucleotide variant.
Coding change: c.2874C>T on transcript NM_201384.3 (MANE Select); coding-DNA position 2874, C replaced by T.
Protein change: p.Tyr958=; no amino-acid change (tyrosine 958 retained).
Molecular consequence: synonymous variant.
Genome position (GRCh38, 1-based): chr8:143,929,695, G>A on the plus strand (C>T on the coding strand, the complement: PLEC is on the minus strand). VCF-style: chr8-143929695-G-A. GRCh37 (hg19) VCF-style: chr8-145003863-G-A.
Other names: c.2955C>T, p.Tyr985= (NM_000445.5); c.2832C>T, p.Tyr944= (NM_201378.4); c.2808C>T, p.Tyr936= (NM_201379.3); c.3285C>T, p.Tyr1095= (NM_201380.4); c.2778C>T, p.Tyr926= (NM_201381.3); c.2874C>T, p.Tyr958= (NM_201382.4); c.2886C>T, p.Tyr962= (NM_201383.3).
Identifiers: ClinVar variation 779763 (VCV000779763.12), dbSNP rs368371693, ClinGen allele CA4927315.

ClinVar aggregate classification (germline): Likely benign. Review status: criteria provided, single submitter (1 of 4 stars). 2 submissions from 2 submitters: Likely benign (1). 1 of the submissions does not count toward it. Last evaluated 2025-07-08.

Conditions:
PLEC-related disorder. Also called: PLEC-related disorders; PLEC-related condition.
Epidermolysis bullosa simplex 5C, with pyloric atresia (EBS5C). Also called: PLEC-Related Epidermolysis Bullosa with Pyloric Atresia; Epidermolysis bullosa simplex with pyloric atresia; PLEC1-Related Epidermolysis Bullosa with Pyloric Atresia. Identifiers: Orphanet 158684, MedGen C2677349, MONDO:0012807, OMIM 612138.
Autosomal recessive limb-girdle muscular dystrophy type 2Q (LGMDR17). Also called: MUSCULAR DYSTROPHY, LIMB-GIRDLE, AUTOSOMAL RECESSIVE 17. Identifiers: Orphanet 254361, MedGen C3150989, MONDO:0013390, OMIM 613723.
Epidermolysis bullosa simplex with nail dystrophy (EBS5D). Identifiers: MedGen C4225309, MONDO:0014661, OMIM 616487.
Epidermolysis bullosa simplex, Ogna type (EBS5A). Also called: Pidermolysis bullosa simplex 5A, Ogna type; EPIDERMOLYSIS BULLOSA SIMPLEX 5A, OGNA TYPE. Identifiers: Orphanet 79401, MedGen C0432317, MONDO:0007555, OMIM 131950.
Epidermolysis bullosa simplex 5B, with muscular dystrophy (EBS5B). Also called: Epidermolysis bullosa simplex with muscular dystrophy; EPIDERMOLYSIS BULLOSA SIMPLEX AND LIMB-GIRDLE MUSCULAR DYSTROPHY. Identifiers: Orphanet 257, MedGen C2931072, MONDO:0009181, OMIM 226670.

Allele frequency attached by ClinVar (database versions not stated): gnomAD exomes 0.00004 and 0.00009; ESP Exome Variant Server 0.00008; gnomAD 0.00009; TOPMed 0.00009; ExAC 0.00010; 1000 Genomes Project 0.00020; 1000 Genomes Project 30x 0.00031.
gnomAD v4.1: 80 of 1,599,456 alleles (0.005%); highest among the groups gnomAD compares: East Asian, 0.058%; no homozygotes.

Submissions (2):

Labcorp Genetics (formerly Invitae), Labcorp
Classification: Likely benign for Autosomal recessive limb-girdle muscular dystrophy type 2Q; Epidermolysis bullosa simplex, Ogna type; Epidermolysis bullosa simplex with nail dystrophy; Epidermolysis bullosa simplex 5C, with pyloric atresia; Epidermolysis bullosa simplex 5B, with muscular dystrophy. Last evaluated: 2025-07-08. Review status: criteria provided, single submitter. Criteria: Invitae Variant Classification Sherloc (09022015). Collection method: clinical testing. Allele origin: germline.

PreventionGenetics, part of Exact Sciences
Classification: Likely benign for PLEC-related condition. Last evaluated: 2024-07-06. Review status: no assertion criteria provided. Collection method: clinical testing. Allele origin: germline. Not counted in ClinVar's aggregate classification.
Comment: This variant is classified as likely benign based on ACMG/AMP sequence variant interpretation guidelines (Richards et al. 2015 PMID: 25741868, with internal and published modifications).